The following is an entry in ClinVar:

NM_001365999.1(SZT2):c.8848G>A (p.Ala2950Thr)

Gene: SZT2 (SZT2 subunit of KICSTOR complex; plus strand). Cytogenetic location: 1p34.2.
Variant type: single nucleotide variant.
Coding change: c.8848G>A on transcript NM_001365999.1 (MANE Select); coding-DNA position 8848, G replaced by A.
Protein change: p.Ala2950Thr; replaces alanine 2950 with threonine.
Molecular consequence: missense variant.
Genome position (GRCh38, 1-based): chr1:43,445,916, G>A. VCF-style: chr1-43445916-G-A. GRCh37 (hg19) VCF-style: chr1-43911587-G-A.
Other names: c.8677G>A, p.Ala2893Thr (NM_015284.4); short protein forms A2893T, A2950T.
Identifiers: ClinVar variation 657053 (VCV000657053.12), dbSNP rs149514994, ClinGen allele CA810721.

ClinVar aggregate classification (germline): Uncertain significance. Review status: criteria provided, multiple submitters, no conflicts (2 of 4 stars). 4 submissions from 4 submitters: Uncertain significance (4). Last evaluated 2025-12-10.

Conditions:
Inborn genetic diseases. Identifiers: MedGen C0950123, MeSH D030342.
Developmental and epileptic encephalopathy, 18 (DEE18). Also called: Early infantile epileptic encephalopathy 18. Identifiers: Orphanet 369894, MedGen C3809624, MONDO:0014201, OMIM 615476.

Allele frequency attached by ClinVar (database versions not stated): gnomAD 0.00003 and 0.00004; TOPMed 0.00005; ESP Exome Variant Server 0.00023.

Submissions (4):

GeneDx
Classification: Uncertain significance. Last evaluated: 2025-12-10. Review status: criteria provided, single submitter. Criteria: GeneDx Variant Classification Process June 2021. Collection method: clinical testing. Allele origin: germline. Affected: yes.
Comment: Not observed at significant frequency in large population cohorts (gnomAD); In silico analysis suggests that this missense variant does not alter protein structure/function; Has not been previously published as pathogenic or benign to our knowledge

Genome-Nilou Lab
Classification: Uncertain significance for Developmental and epileptic encephalopathy, 18. Last evaluated: 2023-04-11. Review status: criteria provided, single submitter. Criteria: ACMG Guidelines, 2015. Collection method: clinical testing. Allele origin: germline. Affected: no.

Ambry Genetics
Classification: Uncertain significance for Inborn genetic diseases. Last evaluated: 2023-03-01. Review status: criteria provided, single submitter. Criteria: Ambry Variant Classification Scheme 2023. Collection method: clinical testing. Allele origin: germline.

Labcorp Genetics (formerly Invitae), Labcorp
Classification: Uncertain significance. Last evaluated: 2022-08-19. Review status: criteria provided, single submitter. Criteria: Invitae Variant Classification Sherloc (09022015). Collection method: clinical testing. Allele origin: germline.
Comment: This sequence change replaces alanine, which is neutral and non-polar, with threonine, which is neutral and polar, at codon 2893 of the SZT2 protein (p.Ala2893Thr). This variant is present in population databases (rs149514994, gnomAD 0.005%). This variant has not been reported in the literature in individuals affected with SZT2-related conditions. ClinVar contains an entry for this variant (Variation ID: 657053). Algorithms developed to predict the effect of missense changes on protein structure and function are either unavailable or do not agree on the potential impact of this missense change (SIFT: "Tolerated"; PolyPhen-2: "Possibly Damaging"; Align-GVGD: "Class C0"). In summary, the available evidence is currently insufficient to determine the role of this variant in disease. Therefore, it has been classified as a Variant of Uncertain Significance.